The following is an entry in ClinVar:

NM_005220.3(DLX3):c.140A>G (p.Gln47Arg)

Gene: DLX3 (distal-less homeobox 3; minus strand). Cytogenetic location: 17q21.33.
Variant type: single nucleotide variant.
Coding change: c.140A>G on transcript NM_005220.3 (MANE Select); coding-DNA position 140, A replaced by G.
Protein change: p.Gln47Arg; replaces glutamine 47 with arginine.
Molecular consequence: missense variant.
Genome position (GRCh38, 1-based): chr17:49,994,859, T>C on the plus strand (A>G on the coding strand, the complement: DLX3 is on the minus strand). VCF-style: chr17-49994859-T-C. GRCh37 (hg19) VCF-style: chr17-48072223-T-C.
Other names: short protein forms Q47R.
Identifiers: ClinVar variation 324026 (VCV000324026.9), dbSNP rs773002632, ClinGen allele CA8641106.
Genomic context (GRCh38, chr17:49,994,859, plus strand): 5'-TGGTGGTAGGTGTAGGGGTTCACCGTCTGGCCATAGGGCTGGCCCGAGTAGTAATCGTGC[T>C]GGGGAGCGCTGTAGTAGCCCAGGTCAGTGACAGAAGACTCGGGCAGGGTAGGCGAGTCCT-3'
Protein context (NP_005211.1, residues 37-57): VTDLGYYSAP[Gln47Arg]HDYYSGQPYG

ClinVar aggregate classification (germline): Uncertain significance. Review status: criteria provided, multiple submitters, no conflicts (2 of 4 stars). 2 submissions from 2 submitters: Uncertain significance (2). Last evaluated 2022-08-30.

Conditions:
Hypomaturation-hypoplastic amelogenesis imperfecta with taurodontism. Also called: Amelogenesis imperfecta, type IV. Identifiers: Orphanet 100034, Orphanet 88661, MedGen C1863012, MONDO:0007093, OMIM 104510. Disease mechanism: loss of function.

Allele frequency attached by ClinVar (database versions not stated): ExAC 0.00002; gnomAD exomes 0.00002 and 0.00010; TOPMed 0.00003; gnomAD 0.00004.
gnomAD v4.1: 149 of 1,614,080 alleles (0.0092%); highest among the groups gnomAD compares: Non-Finnish European, 0.012%; no homozygotes.

Submissions (2):

Labcorp Genetics (formerly Invitae), Labcorp
Classification: Uncertain significance. Last evaluated: 2022-08-30. Review status: criteria provided, single submitter. Criteria: Invitae Variant Classification Sherloc (09022015). Collection method: clinical testing. Allele origin: germline.
Comment: Algorithms developed to predict the effect of missense changes on protein structure and function are either unavailable or do not agree on the potential impact of this missense change (SIFT: "Deleterious"; PolyPhen-2: "Benign"; Align-GVGD: "Class C0"). This variant has not been reported in the literature in individuals affected with DLX3-related conditions. ClinVar contains an entry for this variant (Variation ID: 324026). This sequence change replaces glutamine, which is neutral and polar, with arginine, which is basic and polar, at codon 47 of the DLX3 protein (p.Gln47Arg). This variant is present in population databases (rs773002632, gnomAD 0.006%). In summary, the available evidence is currently insufficient to determine the role of this variant in disease. Therefore, it has been classified as a Variant of Uncertain Significance.

Illumina Laboratory Services, Illumina
Classification: Uncertain significance for Hypomaturation-hypoplastic amelogenesis imperfecta with taurodontism. Last evaluated: 2018-01-13. Review status: criteria provided, single submitter. Criteria: ICSL Variant Classification Criteria 13 December 2019. Collection method: clinical testing. Allele origin: germline.